The following is an entry in ClinVar:

NM_001379200.1(TBX1):c.1228C>T (p.Arg410Cys)

Gene: TBX1 (T-box transcription factor 1; plus strand). Cytogenetic location: 22q11.21.
Variant type: single nucleotide variant.
Coding change: c.1228C>T on transcript NM_001379200.1 (MANE Select); coding-DNA position 1228, C replaced by T.
Protein change: p.Arg410Cys; replaces arginine 410 with cysteine.
Molecular consequence: missense variant. On other transcripts: intron variant (2).
Genome position (GRCh38, 1-based): chr22:19,766,580, C>T. VCF-style: chr22-19766580-C-T. GRCh37 (hg19) VCF-style: chr22-19754103-C-T.
Other names: c.1201C>T, p.Arg401Cys (NM_080647.1); c.1009+578C>T (NM_005992.1, NM_080646.2); short protein forms R401C, R410C.
Identifiers: ClinVar variation 4743030 (VCV004743030.1).
Genomic context (GRCh38, chr22:19,766,580, plus strand): 5'-GGCTTAGTCCCGCTGCCCGGCGCGCCCGGAGGCCGGCCCAGTCCCCCGAACCCCGAGCTG[C>T]GCCTGGAGGCGCCCGGCGCATCGGAGCCGCTGCACCACCACCCCTACAAATATCCGGCCG-3'
Protein context (NP_001366129.1, residues 400-420): GRPSPPNPEL[Arg410Cys]LEAPGASEPL

ClinVar aggregate classification (germline): Uncertain significance (1 of 4 stars; one submission).

Conditions:
DiGeorge syndrome. Also called: Catch22; THIRD AND FOURTH PHARYNGEAL POUCH SYNDROME. Identifiers: Orphanet 567, MedGen C0012236, MONDO:0008564, OMIM 188400.

Submission:

Labcorp Genetics (formerly Invitae), Labcorp
Classification: Uncertain significance for DiGeorge syndrome. Last evaluated: 2025-09-13. Review status: criteria provided, single submitter. Criteria: Invitae Variant Classification Sherloc (09022015). Collection method: clinical testing. Allele origin: germline.
Comment: This sequence change replaces arginine, which is basic and polar, with cysteine, which is neutral and slightly polar, at codon 401 of the TBX1 protein (p.Arg401Cys). This variant is not present in population databases (gnomAD no frequency). This variant has not been reported in the literature in individuals affected with TBX1-related conditions. An algorithm developed to predict the effect of missense changes on protein structure and function (PolyPhen-2) suggests that this variant is likely to be disruptive. In summary, the available evidence is currently insufficient to determine the role of this variant in disease. Therefore, it has been classified as a Variant of Uncertain Significance.